The following is an entry in ClinVar:

ClinVar aggregate classification (germline): Uncertain significance. Review status: criteria provided, multiple submitters, no conflicts (2 of 4 stars). 2 submissions from 2 submitters: Uncertain significance (2). Last evaluated 2022-12-01.

Conditions:
Ehlers-Danlos syndrome, classic type, 1 (EDSCL1). Also called: Ehlers-Danlos syndrome, type 1; Ehlers-Danlos Syndrome, Classic Type, COL5A1-Related; EDS I; EHLERS-DANLOS SYNDROME, GRAVIS TYPE; EHLERS-DANLOS SYNDROME, SEVERE CLASSIC TYPE. Identifiers: MedGen C0268335, MONDO:0019567, OMIM 130000.

gnomAD v4.1: 1 of 1,612,666 alleles (0.000062%); highest among the groups gnomAD compares: South Asian, 0.0011%; no homozygotes.

Submissions (2):

CeGaT Center for Human Genetics Tuebingen
Classification: Uncertain significance. Last evaluated: 2022-12-01. Review status: criteria provided, single submitter. Criteria: CeGaT Center For Human Genetics Tuebingen Variant Classification Criteria Version 2. Collection method: clinical testing. Allele origin: germline. Affected: yes. Observed: 1 variant allele.
Comment: COL5A1: PM2, BP4

Labcorp Genetics (formerly Invitae), Labcorp
Classification: Uncertain significance for Ehlers-Danlos syndrome, classic type, 1. Last evaluated: 2018-12-18. Review status: criteria provided, single submitter. Criteria: Invitae Variant Classification Sherloc (09022015). Collection method: clinical testing. Allele origin: germline.
Comment: In summary, the available evidence is currently insufficient to determine the role of this variant in disease. Therefore, it has been classified as a Variant of Uncertain Significance. Algorithms developed to predict the effect of missense changes on protein structure and function are either unavailable or do not agree on the potential impact of this missense change (SIFT: "Tolerated"; PolyPhen-2: "Not Available"; Align-GVGD: "Class C0"). This variant has not been reported in the literature in individuals with COL5A1-related conditions. This variant is not present in population databases (ExAC no frequency). This sequence change replaces isoleucine with valine at codon 1188 of the COL5A1 protein (p.Ile1188Val). The isoleucine residue is moderately conserved and there is a small physicochemical difference between isoleucine and valine.

NM_000093.5(COL5A1):c.3562A>G (p.Ile1188Val)

Gene: COL5A1 (collagen type V alpha 1 chain; plus strand). Cytogenetic location: 9q34.3.
Variant type: single nucleotide variant.
Coding change: c.3562A>G on transcript NM_000093.5 (MANE Select); coding-DNA position 3562, A replaced by G.
Protein change: p.Ile1188Val; replaces isoleucine 1188 with valine.
Molecular consequence: missense variant.
Genome position (GRCh38, 1-based): chr9:134,811,372, A>G. VCF-style: chr9-134811372-A-G. GRCh37 (hg19) VCF-style: chr9-137703218-A-G.
Other names: c.3562A>G, p.Ile1188Val (NM_001278074.1); short protein forms I1188V.
Identifiers: ClinVar variation 651106 (VCV000651106.32), dbSNP rs1588577285, ClinGen allele CA375453870.